The following is an entry in ClinVar:

ClinVar aggregate classification (germline): Uncertain significance (1 of 4 stars; one submission).

Conditions:
Inborn genetic diseases. Identifiers: MedGen C0950123, MeSH D030342.

Submission:

Ambry Genetics
Classification: Uncertain significance for Inborn genetic diseases. Last evaluated: 2024-05-02. Review status: criteria provided, single submitter. Criteria: Ambry Variant Classification Scheme 2023. Collection method: clinical testing. Allele origin: germline.
Comment: The p.F1371C variant (also known as c.4112T>G), located in coding exon 22 of the ATR gene, results from a T to G substitution at nucleotide position 4112. The phenylalanine at codon 1371 is replaced by cysteine, an amino acid with highly dissimilar properties. This amino acid position is conserved. In addition, the in silico prediction for this alteration is inconclusive. Based on the available evidence, the clinical significance of this variant remains unclear.

NM_001184.4(ATR):c.4112T>G (p.Phe1371Cys)

Gene: ATR (ATR serine/threonine kinase; minus strand). Cytogenetic location: 3q23.
Variant type: single nucleotide variant.
Coding change: c.4112T>G on transcript NM_001184.4 (MANE Select); coding-DNA position 4112, T replaced by G.
Protein change: p.Phe1371Cys; replaces phenylalanine 1371 with cysteine.
Molecular consequence: missense variant.
Genome position (GRCh38, 1-based): chr3:142,524,033, A>C on the plus strand (T>G on the coding strand, the complement: ATR is on the minus strand). VCF-style: chr3-142524033-A-C. GRCh37 (hg19) VCF-style: chr3-142242875-A-C.
Other names: c.3920T>G, p.Phe1307Cys (NM_001354579.2); short protein forms F1307C, F1371C.
Identifiers: ClinVar variation 3331786 (VCV003331786.1).